The following is an entry in ClinVar:

NM_001199040.2(STRA6):c.57G>A (p.Arg19=)

Genes: CCDC33 (coiled-coil domain containing 33; plus strand), STRA6 (signaling receptor and transporter of retinol STRA6; minus strand). Cytogenetic location: 15q24.1.
Variant type: single nucleotide variant.
Coding change: c.57G>A on transcript NM_001199040.2; coding-DNA position 57, G replaced by A.
Protein change: p.Arg19=; no amino-acid change (arginine 19 retained).
Molecular consequence: synonymous variant. On other transcripts: intron variant (1).
Genome position (GRCh38, 1-based): chr15:74,209,398, C>T on the plus strand (G>A on the coding strand, the complement: STRA6 is on the minus strand). VCF-style: chr15-74209398-C-T. GRCh37 (hg19) VCF-style: chr15-74501739-C-T.
Other names: c.-16+2729G>A (NM_001437994.1).
Identifiers: ClinVar variation 3035399 (VCV003035399.3), dbSNP rs184924574, ClinGen allele CA7655176.

ClinVar aggregate classification (germline): Likely benign. Review status: criteria provided, single submitter (1 of 4 stars). 2 submissions from 2 submitters: Likely benign (1). 1 of the submissions does not count toward it. Last evaluated 2024-09-12.

Conditions:
STRA6-related disorder. Also called: STRA6-related condition.

Allele frequency attached by ClinVar (database versions not stated): gnomAD 0.00029; TOPMed 0.00040; 1000 Genomes Project 0.00080; gnomAD exomes 0.00055; 1000 Genomes Project 30x 0.00062; ExAC 0.00074.
gnomAD v4.1: 816 of 1,535,646 alleles (0.053%); highest among the groups gnomAD compares: Non-Finnish European, 0.059%; no homozygotes.

Submissions (2):

Blueprint Genetics
Classification: Likely benign. Last evaluated: 2024-09-12. Review status: criteria provided, single submitter. Criteria: ACMG Guidelines, 2015. Collection method: clinical testing. Allele origin: germline.

PreventionGenetics, part of Exact Sciences
Classification: Likely benign for STRA6-related condition. Last evaluated: 2019-08-07. Review status: no assertion criteria provided. Collection method: clinical testing. Allele origin: germline. Not counted in ClinVar's aggregate classification.
Comment: This variant is classified as likely benign based on ACMG/AMP sequence variant interpretation guidelines (Richards et al. 2015 PMID: 25741868, with internal and published modifications).